The following is an entry in ClinVar:

Single allele

Gene: APC (APC regulator of Wnt signaling pathway; plus strand). Cytogenetic location: 5q22.2.
Variant type: Complex.
Identifiers: ClinVar variation 3767251 (VCV003767251.1).

ClinVar aggregate classification (germline): Likely pathogenic (1 of 4 stars; one submission).

Conditions:
Familial adenomatous polyposis 1 (FAP1). Also called: POLYPOSIS, ADENOMATOUS INTESTINAL; FAMILIAL ADENOMATOUS POLYPOSIS 1, ATTENUATED. Identifiers: MedGen C2713442, MONDO:0021056, OMIM 175100. Disease mechanism: loss of function.

Submission:

Institute for Clinical Genetics, University Hospital TU Dresden, University Hospital TU Dresden
Classification: Likely pathogenic for Familial adenomatous polyposis 1. Last evaluated: 2025-01-27. Review status: criteria provided, single submitter. Criteria: Spier et al. (Genet Med. 2024). Collection method: clinical testing. Allele origin: maternal. Inheritance: Autosomal dominant inheritance. Affected: yes. Observed: 1 heterozygote.
Comment: NC_000005.10:g.112800732_112800733insN[6116+/-1], heterozygous complete human LINE-1 Ta1d element insertion in sense direction leading to abberrant splicing and evaluated as likely pathogenic according to APC-specific ACMG/AMP criteria (Spier et al. 2024): PS3_strong, PM2_supporting, PS4_supporting. Targeted RNA analysis revealed aberrant splicing resulting in the formation of a pseudo-exon with a premature stop codon (PS3_strong). This LINE-1 insertion is absent in gnomAD SVs v4.0 (Collins et al. 2020) (PM2_supporting). The variant segregated with the phenotype in a family with suspected familial adenomatous polyposis in which at least two members showed a phenotype highly specific for APC (PS4_supporting).